The following is an entry in ClinVar:

ClinVar aggregate classification (germline): Uncertain significance (1 of 4 stars; one submission).

Conditions:
Dyskeratosis congenita. Identifiers: Orphanet 1775, MedGen C0265965, MONDO:0015780.

Allele frequency attached by ClinVar (database versions not stated): gnomAD 0.00003 and 0.00004; ExAC 0.00004; gnomAD exomes 0.00004; TOPMed 0.00005.
gnomAD v4.1: 55 of 1,612,308 alleles (0.0034%); highest among the groups gnomAD compares: South Asian, 0.019%; 1 homozygote.

Submission:

Labcorp Genetics (formerly Invitae), Labcorp
Classification: Uncertain significance for Dyskeratosis congenita. Last evaluated: 2024-09-18. Review status: criteria provided, single submitter. Criteria: Invitae Variant Classification Sherloc (09022015). Collection method: clinical testing. Allele origin: germline.
Comment: This sequence change replaces alanine, which is neutral and non-polar, with threonine, which is neutral and polar, at codon 370 of the CTC1 protein (p.Ala370Thr). This variant is present in population databases (rs771759195, gnomAD 0.02%). This variant has not been reported in the literature in individuals affected with CTC1-related conditions. ClinVar contains an entry for this variant (Variation ID: 1472418). Invitae Evidence Modeling of protein sequence and biophysical properties (such as structural, functional, and spatial information, amino acid conservation, physicochemical variation, residue mobility, and thermodynamic stability) indicates that this missense variant is expected to disrupt CTC1 protein function with a positive predictive value of 80%. In summary, the available evidence is currently insufficient to determine the role of this variant in disease. Therefore, it has been classified as a Variant of Uncertain Significance.

NM_025099.6(CTC1):c.1108G>A (p.Ala370Thr)

Gene: CTC1 (CST telomere replication complex component 1; minus strand). Cytogenetic location: 17p13.1.
Variant type: single nucleotide variant.
Coding change: c.1108G>A on transcript NM_025099.6 (MANE Select); coding-DNA position 1108, G replaced by A.
Protein change: p.Ala370Thr; replaces alanine 370 with threonine.
Molecular consequence: missense variant. On other transcripts: non-coding transcript variant (1).
Genome position (GRCh38, 1-based): chr17:8,235,929, C>T on the plus strand (G>A on the coding strand, the complement: CTC1 is on the minus strand). VCF-style: chr17-8235929-C-T. GRCh37 (hg19) VCF-style: chr17-8139247-C-T.
Other names: short protein forms A370T.
Identifiers: ClinVar variation 1472418 (VCV001472418.4), dbSNP rs771759195, ClinGen allele CA8372455.